The following is an entry in ClinVar:

ClinVar aggregate classification (germline): Conflicting classifications of pathogenicity. Review status: criteria provided, conflicting classifications (1 of 4 stars). 6 submissions from 6 submitters: Uncertain significance (5); Likely benign (1). Last evaluated 2025-12-19.

Conditions:
Hereditary cancer-predisposing syndrome. Also called: Neoplastic Syndromes, Hereditary; Hereditary neoplastic syndrome; Tumor predisposition; Hereditary Cancer Syndrome. Identifiers: Orphanet 140162, MedGen C0027672, MeSH D009386, MONDO:0015356.
Rhabdoid tumor predisposition syndrome 2 (RTPS2). Identifiers: Orphanet 231108, Orphanet 69077, MedGen C2750074, MONDO:0013224, OMIM 613325.
Intellectual disability, autosomal dominant 16 (CSS4). Also called: COFFIN-SIRIS SYNDROME 4. Identifiers: Orphanet 1465, MedGen C3553249, MONDO:0013821, OMIM 614609.
SMARCA4-related disorder. Also called: SMARCA4-related condition.

Allele frequency attached by ClinVar (database versions not stated): TOPMed 0.00002.
gnomAD v4.1: 14 of 1,614,092 alleles (0.00087%); highest among the groups gnomAD compares: African/African-American, 0.0013%; no homozygotes.

Submissions (6):

Labcorp Genetics (formerly Invitae), Labcorp
Classification: Likely benign for Rhabdoid tumor predisposition syndrome 2. Last evaluated: 2025-12-19. Review status: criteria provided, single submitter. Criteria: Invitae Variant Classification Sherloc (09022015). Collection method: clinical testing. Allele origin: germline.

Ambry Genetics
Classification: Uncertain significance for Hereditary cancer-predisposing syndrome. Last evaluated: 2024-06-05. Review status: criteria provided, single submitter. Criteria: Ambry Variant Classification Scheme 2023. Collection method: clinical testing. Allele origin: germline.
Comment: The c.2275-3C>T intronic variant results from a C to T substitution 3 nucleotides upstream from coding exon 15 in the SMARCA4 gene. This nucleotide position is well conserved in available vertebrate species. In silico splice site analysis predicts that this alteration will not have any significant effect on splicing. Based on the available evidence, the clinical significance of this variant remains unclear.

PreventionGenetics, part of Exact Sciences
Classification: Uncertain significance for SMARCA4-related condition. Last evaluated: 2023-10-04. Review status: criteria provided, single submitter. Criteria: ACMG Guidelines, 2015. Collection method: clinical testing. Allele origin: germline.
Comment: The SMARCA4 c.2275-3C>T variant is predicted to interfere with splicing. To our knowledge, this variant has not been reported in the literature. This variant is reported in 1 of ~251,000 alleles in gnomAD. This variant is interpreted as uncertain significance in ClinVar. At this time, the clinical significance of this variant is uncertain due to the absence of conclusive functional and genetic evidence.

St. Jude Molecular Pathology, St. Jude Children's Research Hospital
Classification: Uncertain significance for Rhabdoid tumor predisposition syndrome 2. Last evaluated: 2023-02-28. Review status: criteria provided, single submitter. Criteria: St. Jude Assertion Criteria 2020. Collection method: clinical testing. Allele origin: germline.
Comment: The SMARCA4 c.2275-3C>T intronic change results from a C to T substitution at the -3 position of intron 15 of the SMARCA4 gene. Algorithms that predict the impact of sequence changes on splicing indicate that this variant does not affect splicing, but to our knowledge these predictions have not been confirmed by RNA studies. This variant has a maximum subpopulation frequency of 0.0062% in gnomAD v2.1.1. To our knowledge, this variant has not been reported in individuals with rhabdoid tumor predisposition syndrome. In summary, the evidence currently available is insufficient to determine the clinical significance of this variant. It has therefore been classified as of uncertain significance.

Fulgent Genetics
Classification: Uncertain significance for Rhabdoid tumor predisposition syndrome 2; Intellectual disability, autosomal dominant 16. Last evaluated: 2021-11-29. Review status: criteria provided, single submitter. Criteria: ACMG Guidelines, 2015. Collection method: clinical testing. Allele origin: unknown.

Genome-Nilou Lab
Classification: Uncertain significance for Intellectual disability, autosomal dominant 16. Last evaluated: 2021-07-15. Review status: criteria provided, single submitter. Criteria: ACMG Guidelines, 2015. Collection method: clinical testing. Allele origin: germline. Affected: no.

NM_003072.5(SMARCA4):c.2275-3C>T

Gene: SMARCA4 (SWI/SNF related BAF chromatin remodeling complex subunit ATPase 4; plus strand). Cytogenetic location: 19p13.2.
Variant type: single nucleotide variant.
Coding change: c.2275-3C>T on transcript NM_003072.5 (MANE Select); 3 bases into the intron before coding-DNA position 2275, C replaced by T.
Molecular consequence: intron variant.
Genome position (GRCh38, 1-based): chr19:11,012,946, C>T. VCF-style: chr19-11012946-C-T. GRCh37 (hg19) VCF-style: chr19-11123622-C-T.
Other names: c.2275-3C>T (NM_001128849.2, NM_001128844.3, NM_001128849.3 and 6 more transcripts).
Identifiers: ClinVar variation 238398 (VCV000238398.18), dbSNP rs117611401, ClinGen allele CA9204071.